The following is an entry in ClinVar:

NM_000368.5(TSC1):c.139del (p.Asp47fs)

Gene: TSC1 (TSC complex subunit 1; minus strand). Cytogenetic location: 9q34.13.
Variant type: Deletion.
Coding change: c.139del on transcript NM_000368.5 (MANE Select); coding-DNA position 139, one base deleted (G; older notation c.139delG).
Protein change: p.Asp47fs; shifts the reading frame from aspartic acid 47.
Molecular consequence: frameshift variant. On other transcripts: intron variant (1).
Genome position (GRCh38, 1-based): chr9:132,927,272, C deleted on the plus strand (G on the coding strand, the reverse complement: TSC1 is on the minus strand); the first of 2 consecutive C bases (chr9:132,927,272-132,927,273); deleting either gives the same sequence. VCF-style (leftmost placement, unchanged base first): chr9-132927271-TC-T. GRCh37 (hg19) VCF-style: chr9-135802658-TC-T.
Other names: c.139del, p.Asp47fs (NM_001162426.2, NM_001162427.2); c.-154+1495del (NM_001362177.2); short protein forms D47fs.
Identifiers: ClinVar variation 1452527 (VCV001452527.6), dbSNP rs2132269239, ClinGen allele CA2573144236.

ClinVar aggregate classification (germline): Pathogenic (1 of 4 stars; one submission).

Conditions:
Tuberous sclerosis 1 (TSC1). Identifiers: Orphanet 805, MedGen C1854465, MONDO:0008612, OMIM 191100.

Submission:

Labcorp Genetics (formerly Invitae), Labcorp
Classification: Pathogenic for Tuberous sclerosis 1. Last evaluated: 2021-09-19. Review status: criteria provided, single submitter. Criteria: Invitae Variant Classification Sherloc (09022015). Collection method: clinical testing. Allele origin: germline.
Comment: This variant is not present in population databases (ExAC no frequency). This variant has not been reported in the literature in individuals affected with TSC1-related conditions. For these reasons, this variant has been classified as Pathogenic. This sequence change creates a premature translational stop signal (p.Asp47Ilefs*15) in the TSC1 gene. It is expected to result in an absent or disrupted protein product. Loss-of-function variants in TSC1 are known to be pathogenic (PMID: 10227394, 17304050).

Literature cited by the submitters: PubMed 10227394; PubMed 17304050.